The following is an entry in ClinVar:

NM_003924.4(PHOX2B):c.271G>T (p.Gly91Cys)

Gene: PHOX2B (paired like homeobox 2B; minus strand). Cytogenetic location: 4p13.
Variant type: single nucleotide variant.
Coding change: c.271G>T on transcript NM_003924.4 (MANE Select); coding-DNA position 271, G replaced by T.
Protein change: p.Gly91Cys; replaces glycine 91 with cysteine.
Molecular consequence: missense variant.
Genome position (GRCh38, 1-based): chr4:41,747,507, C>A on the plus strand (G>T on the coding strand, the complement: PHOX2B is on the minus strand). VCF-style: chr4-41747507-C-A. GRCh37 (hg19) VCF-style: chr4-41749524-C-A.
Other names: short protein forms G91C.
Identifiers: ClinVar variation 3417954 (VCV003417954.1).

ClinVar aggregate classification (germline): Uncertain significance (1 of 4 stars; one submission).

Conditions:
Hereditary cancer-predisposing syndrome. Also called: Neoplastic Syndromes, Hereditary; Tumor predisposition; Hereditary Cancer Syndrome; Hereditary neoplastic syndrome. Identifiers: Orphanet 140162, MedGen C0027672, MeSH D009386, MONDO:0015356.

Submission:

Ambry Genetics
Classification: Uncertain significance for Hereditary cancer-predisposing syndrome. Last evaluated: 2024-11-15. Review status: criteria provided, single submitter. Criteria: Ambry Variant Classification Scheme 2023. Collection method: clinical testing. Allele origin: germline.
Comment: The p.G91C variant (also known as c.271G>T), located in coding exon 2 of the PHOX2B gene, results from a G to T substitution at nucleotide position 271. The glycine at codon 91 is replaced by cysteine, an amino acid with highly dissimilar properties. This amino acid position is conserved. In addition, this alteration is predicted to be deleterious by in silico analysis. Based on the available evidence, the clinical significance of this variant remains unclear.